The following is an entry in ClinVar:

ClinVar aggregate classification (germline): Likely benign. Review status: criteria provided, multiple submitters, no conflicts (2 of 4 stars). 2 submissions from 2 submitters: Likely benign (2). Last evaluated 2024-08-07.

Conditions:
Ehlers-Danlos syndrome, type 4 (EDSVASC). Also called: Ehlers-Danlos syndrome vascular type; Ehlers Danlos syndrome, ecchymotic type; Ehlers Danlos syndrome, arterial type; Ehlers Danlos syndrome, Sack-Barabas type; Ehlers-Danlos Syndrome Type IV. Identifiers: Orphanet 286, MedGen C0268338, MONDO:0017314, OMIM 130050.

Allele frequency attached by ClinVar (database versions not stated): gnomAD exomes below 0.00001; TOPMed 0.00001.
gnomAD v4.1: 1 of 1,597,846 alleles (0.000063%); highest among the groups gnomAD compares: Non-Finnish European, 0.000086%; no homozygotes.

Submissions (2):

Labcorp Genetics (formerly Invitae), Labcorp
Classification: Likely benign for Ehlers-Danlos syndrome, type 4. Last evaluated: 2024-08-07. Review status: criteria provided, single submitter. Criteria: Invitae Variant Classification Sherloc (09022015). Collection method: clinical testing. Allele origin: germline.

GeneDx
Classification: Likely benign. Last evaluated: 2017-12-19. Review status: criteria provided, single submitter. Criteria: GeneDx Variant Classification (06012015). Collection method: clinical testing. Allele origin: germline. Affected: yes.
Comment: This variant is considered likely benign or benign based on one or more of the following criteria: it is a conservative change, it occurs at a poorly conserved position in the protein, it is predicted to be benign by multiple in silico algorithms, and/or has population frequency not consistent with disease.

NM_000090.4(COL3A1):c.3256-18C>G

Gene: COL3A1 (collagen type III alpha 1 chain; plus strand). Cytogenetic location: 2q32.2.
Variant type: single nucleotide variant.
Coding change: c.3256-18C>G on transcript NM_000090.4 (MANE Select); 18 bases into the intron before coding-DNA position 3256, C replaced by G.
Molecular consequence: intron variant.
Genome position (GRCh38, 1-based): chr2:189,007,482, C>G. VCF-style: chr2-189007482-C-G. GRCh37 (hg19) VCF-style: chr2-189872208-C-G.
Identifiers: ClinVar variation 514126 (VCV000514126.3), dbSNP rs988209116, ClinGen allele CA62561291.